The following is an entry in ClinVar:

NR_023343.3(RNU4ATAC):n.99_105delTTGCTTT

Genes: CLASP1 (cytoplasmic linker associated protein 1; minus strand), CLASP1-AS1 (CLASP1 antisense RNA 1; plus strand), RNU4ATAC (RNA, U4atac small nuclear; plus strand). Cytogenetic location: 2q14.2.
Variant type: Deletion.
Molecular consequence: intron variant (on NM_001395891.1).
Genome position: GRCh38 VCF-style: chr2-121530975-CTTTTGCT-C. GRCh37 (hg19) VCF-style: chr2-122288551-CTTTTGCT-C.
Other names: c.196-657_196-651del (NM_001142274.2, NM_015282.3, NM_001378003.1 and 5 more transcripts).
Identifiers: ClinVar variation 2112464 (VCV002112464.4), dbSNP rs2470339205, ClinGen allele CA2580063771.
Genomic context (GRCh38, chr2:121,530,975, plus strand): 5'-TGAGCGCATAGTGAGGGCAGTACTGCTAACGCCTGAACAACACACCCGCATCAACTAGAG[CTTTTGCT>C]TTATTTTGGTGCAATTTTTGGAAAAATGAAAACCTGTTTTCATAGACTTATCAGTTCAAA-3'

ClinVar aggregate classification (germline): Uncertain significance (1 of 4 stars; one submission).

Submission:

Labcorp Genetics (formerly Invitae), Labcorp
Classification: Uncertain significance. Last evaluated: 2022-03-15. Review status: criteria provided, single submitter. Criteria: Invitae Variant Classification Sherloc (09022015). Collection method: clinical testing. Allele origin: germline.
Comment: This variant occurs in the RNU4ATAC gene, which encodes an RNA molecule that does not result in a protein product. This variant is not present in population databases (gnomAD no frequency). This variant has not been reported in the literature in individuals affected with RNU4ATAC-related conditions. Experimental studies and prediction algorithms are not available or were not evaluated, and the functional significance of this variant is currently unknown. In summary, the available evidence is currently insufficient to determine the role of this variant in disease. Therefore, it has been classified as a Variant of Uncertain Significance.